The following is an entry in ClinVar:

NM_017849.4(TMEM127):c.496G>T (p.Gly166Ter)

Gene: TMEM127 (transmembrane protein 127; minus strand). Cytogenetic location: 2q11.2.
Variant type: single nucleotide variant.
Coding change: c.496G>T on transcript NM_017849.4 (MANE Select); coding-DNA position 496, G replaced by T.
Protein change: p.Gly166Ter; replaces glycine 166 with a stop codon.
Molecular consequence: nonsense.
Genome position (GRCh38, 1-based): chr2:96,254,029, C>A on the plus strand (G>T on the coding strand, the complement: TMEM127 is on the minus strand). VCF-style: chr2-96254029-C-A. GRCh37 (hg19) VCF-style: chr2-96919767-C-A.
Other names: c.496G>T, p.Gly166Ter (NM_001193304.3); c.244G>T, p.Gly82Ter (NM_001407282.1, NM_001407283.1); short protein forms G166*, G82*.
Identifiers: ClinVar variation 5042263 (VCV005042263.1).

ClinVar aggregate classification (germline): Pathogenic (1 of 4 stars; one submission).

Conditions:
Hereditary pheochromocytoma and paraganglioma. Also called: Hereditary Paraganglioma-Pheochromocytoma Syndromes; Hereditary paragangliomas and pheochromocytomas; Hereditary pheochromocytoma-paraganglioma. Identifiers: Orphanet 29072, MedGen C4274332, MONDO:0017366.

Submission:

Myriad Genetics, Inc.
Classification: Pathogenic for Hereditary pheochromocytoma and paraganglioma. Last evaluated: 2026-08-27. Review status: criteria provided, single submitter. Criteria: Myriad Autosomal Dominant, Autosomal Recessive and X-Linked Classification Criteria (2023). Collection method: clinical testing. Allele origin: unknown.
Comment: This variant is considered pathogenic. This variant creates a termination codon and is predicted to result in premature protein truncation.